The following is an entry in ClinVar:

ClinVar aggregate classification (germline): Uncertain significance (1 of 4 stars; one submission).

Conditions:
Fanconi anemia (FA). Also called: Fanconi's anemia. Identifiers: Orphanet 84, MedGen C0015625, MeSH D005199, MONDO:0019391.

Submission:

Labcorp Genetics (formerly Invitae), Labcorp
Classification: Uncertain significance for Fanconi anemia. Last evaluated: 2022-05-28. Review status: criteria provided, single submitter. Criteria: Invitae Variant Classification Sherloc (09022015). Collection method: clinical testing. Allele origin: germline.
Comment: This variant, c.1303_1305del, results in the deletion of 1 amino acid(s) of the FANCB protein (p.Asp435del), but otherwise preserves the integrity of the reading frame. This variant is not present in population databases (gnomAD no frequency). This variant has not been reported in the literature in individuals affected with FANCB-related conditions. Experimental studies and prediction algorithms are not available or were not evaluated, and the functional significance of this variant is currently unknown. In summary, the available evidence is currently insufficient to determine the role of this variant in disease. Therefore, it has been classified as a Variant of Uncertain Significance.

NM_001018113.3(FANCB):c.1300GAT[1] (p.Asp435del)

Gene: FANCB (FA complementation group B; minus strand). Cytogenetic location: Xp22.2.
Variant type: Microsatellite.
Coding change: c.1300GAT[1] on transcript NM_001018113.3 (MANE Select); one copy of the 3-base unit GAT starting at c.1300; the reference has two copies in a row; one copy, 3 bases deleted.
Protein change: p.Asp435del; deletes aspartic acid 435.
Molecular consequence: inframe deletion. On other transcripts: inframe indel (1).
Genome position (GRCh38, 1-based): chrX:14,853,060-14,853,062, ATC deleted on the plus strand (GAT on the coding strand, the reverse complement: FANCB is on the minus strand); deleting any 3 consecutive bases within chrX:14,853,060-14,853,065 gives the same sequence; the position shown is the placement nearest the transcript's 3' end. VCF-style (leftmost placement, unchanged base first): chrX-14853059-TATC-T. GRCh37 (hg19) VCF-style: chrX-14871181-TATC-T.
Other names: c.1300GAT[1], p.Asp435del (NM_001324162.2, NM_152633.4); c.1300_1302GAT[1], p.Asp435del (NM_001410764.1); short protein forms D435del.
Identifiers: ClinVar variation 1999897 (VCV001999897.4), dbSNP rs2518976403, ClinGen allele CA2580615383.
Genomic context (GRCh38, chrX:14,853,059, plus strand): 5'-AATTCATAAAATGATAAAATGGTCACATGATTACTTTTACCTCCTCTGCACTTGACGTAT[TATC>T]ATCTTTTCCTTGAACTAGGTTTATTAAAGCTTTGTAAGATTTTGAAATAATTTTTTCCTT-3'